The following is an entry in ClinVar:

NM_005273.4(GNB2):c.936C>T (p.Asp312=)

Gene: GNB2 (G protein subunit beta 2; plus strand). Cytogenetic location: 7q22.1.
Variant type: single nucleotide variant.
Coding change: c.936C>T on transcript NM_005273.4 (MANE Select); coding-DNA position 936, C replaced by T.
Protein change: p.Asp312=; no amino-acid change (aspartic acid 312 retained).
Molecular consequence: synonymous variant.
Genome position (GRCh38, 1-based): chr7:100,678,714, C>T. VCF-style: chr7-100678714-C-T. GRCh37 (hg19) VCF-style: chr7-100276337-C-T.
Identifiers: ClinVar variation 4872269 (VCV004872269.2).
Genomic context (GRCh38, chr7:100,678,714, plus strand): 5'-AGCCCAGGCCCAATGGGTTCTGACTTCTCTCTTCTTCACAGGAGTCCTCGCTGGCCACGA[C>T]AACCGCGTGAGCTGCCTCGGGGTCACCGACGATGGCATGGCTGTGGCCACGGGCTCCTGG-3'
Protein context (NP_005264.2, residues 302-322): GDRAGVLAGH[Asp312=]NRVSCLGVTD

ClinVar aggregate classification (germline): Likely benign (1 of 4 stars; one submission).

gnomAD v4.1: 44 of 1,613,538 alleles (0.0027%); highest among the groups gnomAD compares: Non-Finnish European, 0.0036%; no homozygotes.

Submission:

CeGaT Center for Human Genetics Tuebingen
Classification: Likely benign. Last evaluated: 2026-05-01. Review status: criteria provided, single submitter. Criteria: CeGaT Center For Human Genetics Tuebingen Variant Classification Criteria Version 2. Collection method: clinical testing. Allele origin: germline. Affected: yes. Observed: 1 variant allele.
Comment: GNB2: BP4, BP7